The following is an entry in ClinVar:

NM_001040142.2(SCN2A):c.4304G>A (p.Arg1435Gln)

Gene: SCN2A (sodium voltage-gated channel alpha subunit 2; plus strand). Cytogenetic location: 2q24.3.
Variant type: single nucleotide variant.
Coding change: c.4304G>A on transcript NM_001040142.2 (MANE Select); coding-DNA position 4304, G replaced by A.
Protein change: p.Arg1435Gln; replaces arginine 1435 with glutamine.
Molecular consequence: missense variant.
Genome position (GRCh38, 1-based): chr2:165,377,646, G>A. VCF-style: chr2-165377646-G-A. GRCh37 (hg19) VCF-style: chr2-166234156-G-A.
Other names: c.4304G>A, p.Arg1435Gln (NM_001040143.2, NM_001371246.1, NM_001371247.1 and 1 more transcripts); short protein forms R1435Q.
Identifiers: ClinVar variation 812147 (VCV000812147.8), dbSNP rs1574723722, ClinGen allele CA349033189.

ClinVar aggregate classification (germline): Conflicting classifications of pathogenicity. Review status: criteria provided, conflicting classifications (1 of 4 stars). 3 submissions from 3 submitters: Likely pathogenic (1); Uncertain significance (2). Last evaluated 2026-02-15.

Conditions:
Seizures, benign familial infantile, 3 (BFIS3). Also called: Familial neonatal seizures; CONVULSIONS, BENIGN FAMILIAL INFANTILE, 3. Identifiers: Orphanet 140927, Orphanet 306, MedGen C1843140, MONDO:0011904, OMIM 607745.
Developmental and epileptic encephalopathy, 11 (DEE11). Also called: Early infantile epileptic encephalopathy 11. Identifiers: Orphanet 1934, MedGen C3150987, MONDO:0013388, OMIM 613721.

Allele frequency attached by ClinVar (database versions not stated): gnomAD exomes below 0.00001.
gnomAD v4.1: 1 of 1,604,684 alleles (0.000062%); highest among the groups gnomAD compares: East Asian, 0.0022%; no homozygotes.

Submissions (3):

GeneDx
Classification: Likely pathogenic. Last evaluated: 2026-02-15. Review status: criteria provided, single submitter. Criteria: GeneDx Variant Classification Process June 2021. Collection method: clinical testing. Allele origin: germline.
Comment: Not observed at significant frequency in large population cohorts (gnomAD); In silico analysis supports that this missense variant has a deleterious effect on protein structure/function; This substitution is predicted to be within the extracellular loop between the S5 and S6 transmembrane segments of the third homologous domain; Has not been previously published as pathogenic or benign to our knowledge

Labcorp Genetics (formerly Invitae), Labcorp
Classification: Uncertain significance for Seizures, benign familial infantile, 3; Developmental and epileptic encephalopathy, 11. Last evaluated: 2022-03-18. Review status: criteria provided, single submitter. Criteria: Invitae Variant Classification Sherloc (09022015). Collection method: clinical testing. Allele origin: germline.
Comment: In summary, the available evidence is currently insufficient to determine the role of this variant in disease. Therefore, it has been classified as a Variant of Uncertain Significance. Algorithms developed to predict the effect of missense changes on protein structure and function are either unavailable or do not agree on the potential impact of this missense change (SIFT: "Tolerated"; PolyPhen-2: "Probably Damaging"; Align-GVGD: "Class C0"). ClinVar contains an entry for this variant (Variation ID: 812147). This variant has not been reported in the literature in individuals affected with SCN2A-related conditions. This variant is not present in population databases (gnomAD no frequency). This sequence change replaces arginine, which is basic and polar, with glutamine, which is neutral and polar, at codon 1435 of the SCN2A protein (p.Arg1435Gln).

MVZ Martinsried, Medicover Genetics
Classification: Uncertain significance for Developmental and epileptic encephalopathy, 11. Last evaluated: 2019-07-16. Review status: criteria provided, single submitter. Criteria: ACMG Guidelines, 2015. Collection method: clinical testing. Allele origin: unknown. Affected: yes.